The following is an entry in ClinVar:

NM_000557.5(GDF5):c.*468G>A

Genes: GDF5 (growth differentiation factor 5; minus strand), GDF5-AS1 (GDF5 antisense RNA 1; plus strand). Cytogenetic location: 20q11.22.
Variant type: single nucleotide variant.
Coding change: c.*468G>A on transcript NM_000557.5 (MANE Select); 468 bases downstream of the stop codon, G replaced by A.
Molecular consequence: 3 prime UTR variant.
Genome position (GRCh38, 1-based): chr20:35,433,441, C>T on the plus strand (G>A on the coding strand, the complement: GDF5 is on the minus strand). VCF-style: chr20-35433441-C-T. GRCh37 (hg19) VCF-style: chr20-34021239-C-T.
Other names: c.*468G>A (NM_001319138.2).
Identifiers: ClinVar variation 895403 (VCV000895403.5), dbSNP rs79051206, ClinGen allele CA314131389.

ClinVar aggregate classification (germline): Benign/Likely benign. Review status: criteria provided, multiple submitters, no conflicts (2 of 4 stars). 6 submissions from 2 submitters: Benign (5); Likely benign (1). Last evaluated 2021-05-12.

Conditions:
Brachydactyly. Also called: Brachydactyly (disease); Brachydactyly syndrome. Identifiers: MedGen C0221357, MONDO:0021004, HP:0001156.
Multiple synostoses syndrome 2 (SYNS2). Identifiers: Orphanet 3237, MedGen C1832708, MONDO:0012394, OMIM 610017.
Acromesomelic dysplasia 2B. Also called: DU PAN SYNDROME. Identifiers: Orphanet 2639, MedGen C1856738, MONDO:0009231, OMIM 228900.
Grebe syndrome. Also called: ACROMESOMELIC DYSPLASIA, GREBE TYPE; GREBE DYSPLASIA; ACROMESOMELIC DYSPLASIA 2A. Identifiers: Orphanet 2098, MedGen C0265260, MONDO:0008703, OMIM 200700.
Acromesomelic dysplasia 2C, Hunter-Thompson type. Also called: Acromesomelic dysplasia, Hunter-Thompson type. Identifiers: Orphanet 968, MedGen C2930970, MONDO:0008717, OMIM 201250.

Allele frequency attached by ClinVar (database versions not stated): gnomAD exomes 0.00086; 1000 Genomes Project 0.00659; 1000 Genomes Project 30x 0.00750; gnomAD 0.00760 and 0.00818; TOPMed 0.00869.
gnomAD v4.1: 1,299 of 324,166 alleles (0.4%); highest among the groups gnomAD compares: African/African-American, 2.6%; 18 homozygotes.

Submissions (6):

GeneDx
Classification: Likely benign. Last evaluated: 2021-05-12. Review status: criteria provided, single submitter. Criteria: GeneDx Variant Classification Process June 2021. Collection method: clinical testing. Allele origin: germline. Affected: yes.
Comment: See Variant Classification Assertion Criteria.

Illumina Laboratory Services, Illumina
Classification: Benign for Grebe syndrome. Last evaluated: 2018-01-12. Review status: criteria provided, single submitter. Criteria: ICSL Variant Classification Criteria 13 December 2019. Collection method: clinical testing. Allele origin: germline.
Comment: This variant was observed in the ICSL laboratory as part of a predisposition screen in an ostensibly healthy population. It had not been previously curated by ICSL or reported in the Human Gene Mutation Database (HGMD: prior to June 1st, 2018), and was therefore a candidate for classification through an automated scoring system. Utilizing variant allele frequency, disease prevalence and penetrance estimates, and inheritance mode, an automated score was calculated to assess if this variant is too frequent to cause the disease. Based on the score and internal cut-off values, a variant classified as benign is not then subjected to further curation. The score for this variant resulted in a classification of benign for this disease.

Illumina Laboratory Services, Illumina
Classification: Benign for Fibular hypoplasia and complex brachydactyly. Last evaluated: 2018-01-12. Review status: criteria provided, single submitter. Criteria: ICSL Variant Classification Criteria 13 December 2019. Collection method: clinical testing. Allele origin: germline.
Comment: the same text as in the submission from Illumina Laboratory Services, Illumina above.

Illumina Laboratory Services, Illumina
Classification: Benign for Multiple synostoses syndrome 2. Last evaluated: 2018-01-12. Review status: criteria provided, single submitter. Criteria: ICSL Variant Classification Criteria 13 December 2019. Collection method: clinical testing. Allele origin: germline.
Comment: the same text as in the submission from Illumina Laboratory Services, Illumina above.

Illumina Laboratory Services, Illumina
Classification: Benign for Acromesomelic dysplasia 2C, Hunter-Thompson type. Last evaluated: 2018-01-12. Review status: criteria provided, single submitter. Criteria: ICSL Variant Classification Criteria 13 December 2019. Collection method: clinical testing. Allele origin: germline.
Comment: the same text as in the submission from Illumina Laboratory Services, Illumina above.

Illumina Laboratory Services, Illumina
Classification: Benign for Brachydactyly. Last evaluated: 2018-01-12. Review status: criteria provided, single submitter. Criteria: ICSL Variant Classification Criteria 13 December 2019. Collection method: clinical testing. Allele origin: germline.
Comment: the same text as in the submission from Illumina Laboratory Services, Illumina above.